The following is an entry in ClinVar:

ClinVar aggregate classification (germline): Uncertain significance (1 of 4 stars; one submission).

gnomAD v4.1: 1 of 1,614,154 alleles (0.000062%); highest among the groups gnomAD compares: Non-Finnish European, 0.000085%; no homozygotes.

Submission:

GeneDx
Classification: Uncertain significance. Last evaluated: 2023-01-06. Review status: criteria provided, single submitter. Criteria: GeneDx Variant Classification Process June 2021. Collection method: clinical testing. Allele origin: germline. Affected: yes.
Comment: Not observed at significant frequency in large population cohorts (gnomAD); In silico analysis supports that this missense variant has a deleterious effect on protein structure/function; Has not been previously published as pathogenic or benign to our knowledge

NM_004958.4(MTOR):c.634G>A (p.Ala212Thr)

Gene: MTOR (mechanistic target of rapamycin kinase; minus strand). Cytogenetic location: 1p36.22.
Variant type: single nucleotide variant.
Coding change: c.634G>A on transcript NM_004958.4 (MANE Select); coding-DNA position 634, G replaced by A.
Protein change: p.Ala212Thr; replaces alanine 212 with threonine.
Molecular consequence: missense variant. On other transcripts: 5 prime UTR variant (1).
Genome position (GRCh38, 1-based): chr1:11,256,063, C>T on the plus strand (G>A on the coding strand, the complement: MTOR is on the minus strand). VCF-style: chr1-11256063-C-T. GRCh37 (hg19) VCF-style: chr1-11316120-C-T.
Other names: c.634G>A, p.Ala212Thr (NM_001386500.1); c.-506G>A (NM_001386501.1); short protein forms A212T.
Identifiers: ClinVar variation 2571690 (VCV002571690.1), dbSNP rs2100974917, ClinGen allele CA338402894.